The following is an entry in ClinVar:

ClinVar aggregate classification (germline): Uncertain significance. Review status: criteria provided, multiple submitters, no conflicts (2 of 4 stars). 2 submissions from 2 submitters: Uncertain significance (2). Last evaluated 2025-10-07.

Allele frequency attached by ClinVar (database versions not stated): TOPMed 0.00005; gnomAD 0.00006; gnomAD exomes 0.00008; 1000 Genomes Project 30x 0.00016; 1000 Genomes Project 0.00020.
gnomAD v4.1: 116 of 1,551,944 alleles (0.0075%); highest among the groups gnomAD compares: East Asian, 0.037%; 1 homozygote.

Submissions (2):

Ambry Genetics
Classification: Uncertain significance. Last evaluated: 2025-10-07. Review status: criteria provided, single submitter. Criteria: Ambry Variant Classification Scheme 2023. Collection method: clinical testing. Allele origin: germline.

Labcorp Genetics (formerly Invitae), Labcorp
Classification: Uncertain significance. Last evaluated: 2024-10-19. Review status: criteria provided, single submitter. Criteria: Invitae Variant Classification Sherloc (09022015). Collection method: clinical testing. Allele origin: germline.
Comment: This sequence change replaces phenylalanine, which is neutral and non-polar, with cysteine, which is neutral and slightly polar, at codon 667 of the WDR87 protein (p.Phe667Cys). This variant is present in population databases (rs559137066, gnomAD 0.04%). This variant has not been reported in the literature in individuals affected with WDR87-related conditions. ClinVar contains an entry for this variant (Variation ID: 2455234). An algorithm developed to predict the effect of missense changes on protein structure and function (PolyPhen-2) suggests that this variant is likely to be disruptive. In summary, the available evidence is currently insufficient to determine the role of this variant in disease. Therefore, it has been classified as a Variant of Uncertain Significance.

NM_001291088.2(WDR87):c.2117T>G (p.Phe706Cys)

Gene: WDR87 (WD repeat domain 87; minus strand). Cytogenetic location: 19q13.13.
Variant type: single nucleotide variant.
Coding change: c.2117T>G on transcript NM_001291088.2 (MANE Select); coding-DNA position 2117, T replaced by G.
Protein change: p.Phe706Cys; replaces phenylalanine 706 with cysteine.
Molecular consequence: missense variant.
Genome position (GRCh38, 1-based): chr19:37,893,586, A>C on the plus strand (T>G on the coding strand, the complement: WDR87 is on the minus strand). VCF-style: chr19-37893586-A-C. GRCh37 (hg19) VCF-style: chr19-38384226-A-C.
Other names: c.2000T>G, p.Phe667Cys (NM_031951.5); short protein forms F706C, F667C.
Identifiers: ClinVar variation 2455234 (VCV002455234.5), dbSNP rs559137066, ClinGen allele CA9408832.